The following is an entry in ClinVar:

NM_014927.5(CNKSR2):c.1282C>T (p.Arg428Ter)

Gene: CNKSR2 (connector enhancer of kinase suppressor of Ras 2; plus strand). Cytogenetic location: Xp22.12.
Variant type: single nucleotide variant.
Coding change: c.1282C>T on transcript NM_014927.5 (MANE Select); coding-DNA position 1282, C replaced by T.
Protein change: p.Arg428Ter; replaces arginine 428 with a stop codon.
Molecular consequence: nonsense.
Genome position (GRCh38, 1-based): chrX:21,532,046, C>T. VCF-style: chrX-21532046-C-T. GRCh37 (hg19) VCF-style: chrX-21550164-C-T.
Other names: c.1282C>T, p.Arg428Ter (NM_001168647.3, NM_001168648.3, NM_001330773.2); c.1135C>T, p.Arg379Ter (NM_001168649.3, NM_001330770.2, NM_001330771.2 and 1 more transcripts); short protein forms R428*, R379*.
Identifiers: ClinVar variation 419657 (VCV000419657.2), dbSNP rs1064794022, ClinGen allele CA16621298.
Genomic context (GRCh38, chrX:21,532,046, plus strand): 5'-GAAGATACTGTCTTATATTGCTATGAATATGAAAAAGGAAGATCAAGTAGTCAAGGAAGA[C>T]GAGAAAGCACCCCAACTTATGGTAAGAGTTCTTCTTTTATGTTTATATAAGACTATATTT-3'

ClinVar aggregate classification (germline): Pathogenic. Review status: criteria provided, single submitter (1 of 4 stars). 2 submissions from 2 submitters: Pathogenic (1). 1 of the submissions does not count toward it. Last evaluated 2015-08-06.

Submissions (2):

GeneDx
Classification: Pathogenic. Last evaluated: 2015-08-06. Review status: criteria provided, single submitter. Criteria: GeneDx Variant Classification (06012015). Collection method: clinical testing. Allele origin: germline. Affected: yes.
Comment: The R428X variant in the CNKSR2 gene has not been reported previously as a pathogenic variantnor as a benign polymorphism, to our knowledge. This variant is predicted to cause loss of normal proteinfunction either through protein truncation or nonsense-mediated mRNA decay. The R428X variant wasnot observed in approximately 6,500 individuals of European and African American ancestry in the NHLBIExome Sequencing Project, indicating it is not a common benign variant in these populations. We interpretR428X as a pathogenic variant.

Molecular Genetics Laboratory, BC Children's and BC Women's Hospitals
Classification: Likely pathogenic. Last evaluated: 2017-07-10. Review status: no assertion criteria provided. Criteria: ACMG Guidelines, 2015. Collection method: clinical testing. Allele origin: germline. Affected: yes. Not counted in ClinVar's aggregate classification.